The following is an entry in ClinVar:

ClinVar aggregate classification (germline): Uncertain significance (1 of 4 stars; one submission).

gnomAD v4.1: 9 of 1,612,102 alleles (0.00056%); highest among the groups gnomAD compares: Non-Finnish European, 0.00068%; no homozygotes.

Submission:

Labcorp Genetics (formerly Invitae), Labcorp
Classification: Uncertain significance. Last evaluated: 2025-06-03. Review status: criteria provided, single submitter. Criteria: Invitae Variant Classification Sherloc (09022015). Collection method: clinical testing. Allele origin: germline.
Comment: This sequence change replaces asparagine, which is neutral and polar, with lysine, which is basic and polar, at codon 468 of the ANKRD26 protein (p.Asn468Lys). This variant is present in population databases (rs764598297, gnomAD 0.004%). This variant has not been reported in the literature in individuals affected with ANKRD26-related conditions. An algorithm developed to predict the effect of missense changes on protein structure and function (PolyPhen-2) suggests that this variant is likely to be disruptive. In summary, the available evidence is currently insufficient to determine the role of this variant in disease. Therefore, it has been classified as a Variant of Uncertain Significance.

NM_014915.3(ANKRD26):c.1404C>G (p.Asn468Lys)

Gene: ANKRD26 (ankyrin repeat domain 26; minus strand). Cytogenetic location: 10p12.1.
Variant type: single nucleotide variant.
Coding change: c.1404C>G on transcript NM_014915.3 (MANE Select); coding-DNA position 1404, C replaced by G.
Protein change: p.Asn468Lys; replaces asparagine 468 with lysine.
Molecular consequence: missense variant.
Genome position (GRCh38, 1-based): chr10:27,061,202, G>C on the plus strand (C>G on the coding strand, the complement: ANKRD26 is on the minus strand). VCF-style: chr10-27061202-G-C. GRCh37 (hg19) VCF-style: chr10-27350131-G-C.
Other names: c.1404C>G, p.Asn468Lys (NM_001256053.2); short protein forms N468K.
Identifiers: ClinVar variation 4753927 (VCV004753927.1).